The following is an entry in ClinVar:

NM_001330078.2(NRXN1):c.587C>T (p.Pro196Leu)

Gene: NRXN1 (neurexin 1; minus strand). Cytogenetic location: 2p16.3.
Variant type: single nucleotide variant.
Coding change: c.587C>T on transcript NM_001330078.2 (MANE Select); coding-DNA position 587, C replaced by T.
Protein change: p.Pro196Leu; replaces proline 196 with leucine.
Molecular consequence: missense variant.
Genome position (GRCh38, 1-based): chr2:51,027,687, G>A on the plus strand (C>T on the coding strand, the complement: NRXN1 is on the minus strand). VCF-style: chr2-51027687-G-A. GRCh37 (hg19) VCF-style: chr2-51254825-G-A.
Other names: p.P196L:CCC>CTC; c.587C>T, p.Pro196Leu (NM_001135659.3, NM_001330077.2, NM_001330079.2 and 15 more transcripts); short protein forms P196L.
Identifiers: ClinVar variation 206279 (VCV000206279.13), dbSNP rs199836119, ClinGen allele CA316204.
Genomic context (GRCh38, chr2:51,027,687, plus strand): 5'-GGGCTTCCCCCGCCGCTGTTGGGCGGCTCATCGTCCAGCTTCACCTCGCCGCTGTCCACG[G>A]GCAGGACCTGCGAGGAGTTGACCCTCACGTCACGAATCCACCCCTTGAAGGGCTCCCGCT-3'
Protein context (NP_001317007.1, residues 186-206): DVRVNSSQVL[Pro196Leu]VDSGEVKLDD

ClinVar aggregate classification (germline): Conflicting classifications of pathogenicity. Review status: criteria provided, conflicting classifications (1 of 4 stars). 3 submissions from 3 submitters: Uncertain significance (2); Likely benign (1). Last evaluated 2022-08-09.

Conditions:
Pitt-Hopkins-like syndrome 2 (PTHSL2). Identifiers: Orphanet 221150, Orphanet 600663, MedGen C3280479, MONDO:0013690, OMIM 614325.

Allele frequency attached by ClinVar (database versions not stated): gnomAD 0.00001; gnomAD exomes 0.00001.
gnomAD v4.1: 19 of 1,604,766 alleles (0.0012%); highest among the groups gnomAD compares: Middle Eastern, 0.082%; no homozygotes.

Submissions (3):

Labcorp Genetics (formerly Invitae), Labcorp
Classification: Uncertain significance for Pitt-Hopkins-like syndrome 2. Last evaluated: 2022-08-09. Review status: criteria provided, single submitter. Criteria: Invitae Variant Classification Sherloc (09022015). Collection method: clinical testing. Allele origin: germline.
Comment: In summary, the available evidence is currently insufficient to determine the role of this variant in disease. Therefore, it has been classified as a Variant of Uncertain Significance. Algorithms developed to predict the effect of missense changes on protein structure and function output the following: SIFT: "Tolerated"; PolyPhen-2: "Benign"; Align-GVGD: "Class C0". The leucine amino acid residue is found in multiple mammalian species, which suggests that this missense change does not adversely affect protein function. ClinVar contains an entry for this variant (Variation ID: 206279). This variant has not been reported in the literature in individuals affected with NRXN1-related conditions. This variant is not present in population databases (gnomAD no frequency). This sequence change replaces proline, which is neutral and non-polar, with leucine, which is neutral and non-polar, at codon 196 of the NRXN1 protein (p.Pro196Leu).

GeneDx
Classification: Likely benign. Last evaluated: 2018-12-18. Review status: criteria provided, single submitter. Criteria: GeneDx Variant Classification Process June 2021. Collection method: clinical testing. Allele origin: germline. Affected: yes.

Illumina Laboratory Services, Illumina
Classification: Uncertain significance for Pitt-Hopkins-like syndrome 2. Last evaluated: 2018-01-12. Review status: criteria provided, single submitter. Criteria: ICSL Variant Classification Criteria 13 December 2019. Collection method: clinical testing. Allele origin: germline.